The following is an entry in ClinVar:

ClinVar aggregate classification (germline): Pathogenic. Review status: criteria provided, multiple submitters, no conflicts (2 of 4 stars). 3 submissions from 3 submitters: Pathogenic (3). Last evaluated 2026-01-20.

Conditions:
Eichsfeld type congenital muscular dystrophy (CMYO3). Also called: Rigid spine muscular dystrophy 1; MYOPATHY, SEPN1-RELATED; SELENON-related myopathy; Congenital myopathy 3 with rigid spine. Identifiers: MedGen C0410180, MONDO:0100100, OMIM 602771.

Allele frequency attached by ClinVar (database versions not stated): gnomAD below 0.00001 and 0.00001; gnomAD exomes 0.00001; ExAC 0.00004.
gnomAD v4.1: 14 of 1,591,740 alleles (0.00088%); highest among the groups gnomAD compares: South Asian, 0.012%; no homozygotes.

Submissions (3):

Labcorp Genetics (formerly Invitae), Labcorp
Classification: Pathogenic for Eichsfeld type congenital muscular dystrophy. Last evaluated: 2026-01-20. Review status: criteria provided, single submitter. Criteria: Invitae Variant Classification Sherloc (09022015). Collection method: clinical testing. Allele origin: germline.
Comment: This sequence change creates a premature translational stop signal (p.Glu394*) in the SELENON gene. It is expected to result in an absent or disrupted protein product. Loss-of-function variants in SELENON are known to be pathogenic (PMID: 21131290, 21670436). The frequency data for this variant in the population databases is considered unreliable, as metrics indicate poor data quality at this position in the gnomAD database. This premature translational stop signal has been observed in individual(s) with congenital muscular dystrophy (PMID: 28688748). ClinVar contains an entry for this variant (Variation ID: 664698). For these reasons, this variant has been classified as Pathogenic.

Women's Health and Genetics/Laboratory Corporation of America, LabCorp
Classification: Pathogenic for Eichsfeld type congenital muscular dystrophy. Last evaluated: 2024-10-15. Review status: criteria provided, single submitter. Criteria: LabCorp Variant Classification Summary - May 2015. Collection method: clinical testing. Allele origin: germline.
Comment: Variant summary: ELENON c.1180G>T (p.Glu394X) results in a premature termination codon, predicted to cause a truncation of the encoded protein or absence of the protein due to nonsense mediated decay, which are commonly known mechanisms for disease. The variant allele was found at a frequency of 1.4e-05 in 208104 control chromosomes (gnomAD). c.1180G>T has been reported in the literature in one individual affected with Congenital muscular dystrophies (Sframeli_2017). To our knowledge, no experimental evidence demonstrating an impact on protein function has been reported. The following publication have been ascertained in the context of this evaluation (PMID: 28688748). ClinVar contains an entry for this variant (Variation ID: 664698). Based on the evidence outlined above, the variant was classified as pathogenic.

Broad Center for Mendelian Genomics, Broad Institute of MIT and Harvard
Classification: Pathogenic. Last evaluated: 2023-01-24. Review status: criteria provided, single submitter. Criteria: ACMG Guidelines, 2015. Collection method: curation. Allele origin: germline. Inheritance: Autosomal recessive inheritance.
Comment: The p.Glu394Ter variant in SELENON has been reported in 1 individual in the homozygous state with SELENON-RM (PMID: 28688748) and has been identified in 0.01% (3/27012) of South Asian chromosomes by the Genome Aggregation Database (gnomAD; dbSNP ID: rs747284477). Although this variant has been seen in the general population in a heterozygous state, its frequency is low enough to be consistent with a recessive carrier frequency. This variant has also been reported in ClinVar (Variation ID#: 1664698) and has been interpreted as pathogenic by Invitae. This nonsense variant leads to a premature termination codon at position 394 which is predicted to lead to a truncated or absent protein. Loss of function of the SELENON gene is an established disease mechanism in autosomal recessive SELENON-RM. In summary, this variant meets criteria to be classified as pathogenic for autosomal recessive SELENON-RM. ACMG/AMP Criteria applied: PVS1, PM2_supporting, PM3_supporting (Richards 2015).

Literature cited by the submitters: PubMed 21131290 (cited by Labcorp Genetics (formerly Invitae), Labcorp); PubMed 21670436 (cited by Labcorp Genetics (formerly Invitae), Labcorp); PubMed 28688748 (cited by Labcorp Genetics (formerly Invitae), Labcorp and Women's Health and Genetics/Laboratory Corporation of America, LabCorp).

NM_206926.2(SELENON):c.1078G>T (p.Glu360Ter)

Gene: SELENON (selenoprotein N; plus strand). Cytogenetic location: 1p36.11.
Variant type: single nucleotide variant.
Coding change: c.1078G>T on transcript NM_206926.2 (MANE Select); coding-DNA position 1078, G replaced by T.
Protein change: p.Glu360Ter; replaces glutamic acid 360 with a stop codon.
Molecular consequence: nonsense.
Genome position (GRCh38, 1-based): chr1:25,811,778, G>T. VCF-style: chr1-25811778-G-T. GRCh37 (hg19) VCF-style: chr1-26138269-G-T.
Other names: NM_020451.3(SELENON):c.1180G>T; p.Glu394Ter; c.1180G>T, p.Glu394Ter (NM_020451.3); short protein forms E394*, E360*.
Identifiers: ClinVar variation 664698 (VCV000664698.10), dbSNP rs747284477, ClinGen allele CA696789.
Genomic context (GRCh38, chr1:25,811,778, plus strand): 5'-GTGCCCTCCGTGATCCTGGATGAGGATGGCAGCATGATCGACAGCCACCTGCCTTCAGGG[G>T]AGCCCCTGCAGTTTGTGTTTGAGGAGATCAAGTGGCAGCAGGAGCTGAGCTGGGAGGAGG-3'